The following is an entry in ClinVar:

NM_002292.4(LAMB2):c.1306G>A (p.Gly436Ser)

Gene: LAMB2 (laminin subunit beta 2; minus strand). Cytogenetic location: 3p21.31.
Variant type: single nucleotide variant.
Coding change: c.1306G>A on transcript NM_002292.4 (MANE Select); coding-DNA position 1306, G replaced by A.
Protein change: p.Gly436Ser; replaces glycine 436 with serine.
Molecular consequence: missense variant.
Genome position (GRCh38, 1-based): chr3:49,129,938, C>T on the plus strand (G>A on the coding strand, the complement: LAMB2 is on the minus strand). VCF-style: chr3-49129938-C-T. GRCh37 (hg19) VCF-style: chr3-49167371-C-T.
Other names: p.Gly436Ser; short protein forms G436S.
Identifiers: ClinVar variation 546936 (VCV000546936.58), dbSNP rs142402808, ClinGen allele CA2394631.

ClinVar aggregate classification (germline): Conflicting classifications of pathogenicity. Review status: criteria provided, conflicting classifications (1 of 4 stars). 8 submissions from 7 submitters: Uncertain significance (4); Likely benign (3). 1 of the submissions does not count toward it. Last evaluated 2025-12-22.

Conditions:
LAMB2-related infantile-onset nephrotic syndrome. Also called: NEPHROTIC SYNDROME, TYPE 5, WITHOUT OCULAR ABNORMALITIES; NEPHROTIC SYNDROME, TYPE 5, WITH OCULAR ABNORMALITIES; Nephrotic Syndrome, type 5. Identifiers: Orphanet 306507, MedGen C3280113, MONDO:0013621, OMIM 614199.
Pierson syndrome. Also called: MICROCORIA-CONGENITAL NEPHROTIC SYNDROME. Identifiers: Orphanet 2670, MedGen C1836876, MONDO:0012184, OMIM 609049.
LAMB2-related disorder. Also called: LAMB2-related condition.

Allele frequency attached by ClinVar (database versions not stated): gnomAD exomes 0.00080 and 0.00099; ExAC 0.00085; gnomAD 0.00092 and 0.00096; ESP Exome Variant Server 0.00038; TOPMed 0.00039.
gnomAD v4.1: 1,293 of 1,614,016 alleles (0.08%); highest among the groups gnomAD compares: Non-Finnish European, 0.071%; no homozygotes.

Submissions (8):

Labcorp Genetics (formerly Invitae), Labcorp
Classification: Likely benign for LAMB2-related infantile-onset nephrotic syndrome; Pierson syndrome. Last evaluated: 2025-12-22. Review status: criteria provided, single submitter. Criteria: Invitae Variant Classification Sherloc (09022015). Collection method: clinical testing. Allele origin: germline.

Blueprint Genetics
Classification: Uncertain significance. Last evaluated: 2024-11-21. Review status: criteria provided, single submitter. Criteria: ACMG Guidelines, 2015. Collection method: clinical testing. Allele origin: germline.

Mayo Clinic Laboratories, Mayo Clinic
Classification: Uncertain significance. Last evaluated: 2024-04-10. Review status: criteria provided, single submitter. Criteria: ACMG Guidelines, 2015. Collection method: clinical testing. Allele origin: germline. Observed: 1 variant allele.

Department of Pathology and Laboratory Medicine, Sinai Health System
Classification: Uncertain significance for Pierson syndrome; LAMB2-related infantile-onset nephrotic syndrome. Last evaluated: 2021-07-30. Review status: criteria provided, single submitter. Criteria: ACMG Guidelines, 2015. Collection method: research. Allele origin: germline.

CeGaT Center for Human Genetics Tuebingen
Classification: Uncertain significance. Last evaluated: 2018-01-01. Review status: criteria provided, single submitter. Criteria: CeGaT Center For Human Genetics Tuebingen Variant Classification Criteria Version 2. Collection method: clinical testing. Allele origin: germline. Affected: yes. Observed: 1 variant allele.

Illumina Laboratory Services, Illumina
Classification: Likely benign for Pierson syndrome. Last evaluated: 2017-07-24. Review status: criteria provided, single submitter. Criteria: ICSL Variant Classification Criteria 13 December 2019. Collection method: clinical testing. Allele origin: germline.
Comment: This variant was observed as part of a predisposition screen in an ostensibly healthy population. A literature search was performed for the gene, cDNA change, and amino acid change (where applicable). No publications were found based on this search. Allele frequency data from public databases allowed determination this variant is unlikely to cause disease. Therefore, this variant is classified as likely benign.

Illumina Laboratory Services, Illumina
Classification: Likely benign for LAMB2-related infantile-onset nephrotic syndrome. Last evaluated: 2017-07-24. Review status: criteria provided, single submitter. Criteria: ICSL Variant Classification Criteria 13 December 2019. Collection method: clinical testing. Allele origin: germline.
Comment: the same text as in the submission from Illumina Laboratory Services, Illumina above.

PreventionGenetics, part of Exact Sciences
Classification: Likely benign for LAMB2-related condition. Last evaluated: 2020-02-28. Review status: no assertion criteria provided. Collection method: clinical testing. Allele origin: germline. Not counted in ClinVar's aggregate classification.
Comment: This variant is classified as likely benign based on ACMG/AMP sequence variant interpretation guidelines (Richards et al. 2015 PMID: 25741868, with internal and published modifications).